The following is an entry in ClinVar:

NM_005333.5(HCCS):c.55G>C (p.Ala19Pro)

Gene: HCCS (holocytochrome c synthase; plus strand). Cytogenetic location: Xp22.2.
Variant type: single nucleotide variant.
Coding change: c.55G>C on transcript NM_005333.5 (MANE Select); coding-DNA position 55, G replaced by C.
Protein change: p.Ala19Pro; replaces alanine 19 with proline.
Molecular consequence: missense variant.
Genome position (GRCh38, 1-based): chrX:11,112,115, G>C. VCF-style: chrX-11112115-G-C. GRCh37 (hg19) VCF-style: chrX-11130235-G-C.
Other names: c.55G>C (NM_005333.4); c.55G>C, p.Ala19Pro (NM_001122608.3, NM_001171991.3); short protein forms A19P.
Identifiers: ClinVar variation 3668401 (VCV003668401.3).

ClinVar aggregate classification (germline): Uncertain significance. Review status: criteria provided, multiple submitters, no conflicts (2 of 4 stars). 2 submissions from 2 submitters: Uncertain significance (2). Last evaluated 2025-06-03.

Conditions:
Inborn genetic diseases. Identifiers: MedGen C0950123, MeSH D030342.

gnomAD v4.1: 18 of 1,208,387 alleles (0.0015%); highest among the groups gnomAD compares: African/African-American, 0.0035%; no homozygotes.

Submissions (2):

Ambry Genetics
Classification: Uncertain significance for Inborn genetic diseases. Last evaluated: 2025-06-03. Review status: criteria provided, single submitter. Criteria: Ambry Variant Classification Scheme 2023. Collection method: clinical testing. Allele origin: germline.

Labcorp Genetics (formerly Invitae), Labcorp
Classification: Uncertain significance. Last evaluated: 2024-12-04. Review status: criteria provided, single submitter. Criteria: Invitae Variant Classification Sherloc (09022015). Collection method: clinical testing. Allele origin: germline.
Comment: This sequence change replaces alanine, which is neutral and non-polar, with proline, which is neutral and non-polar, at codon 19 of the HCCS protein (p.Ala19Pro). The frequency data for this variant in the population databases is considered unreliable, as metrics indicate poor data quality at this position in the gnomAD database. This variant has not been reported in the literature in individuals affected with HCCS-related conditions. An algorithm developed to predict the effect of missense changes on protein structure and function outputs the following: PolyPhen-2: "Possibly Damaging". The proline amino acid residue is found in multiple mammalian species, which suggests that this missense change does not adversely affect protein function. In summary, the available evidence is currently insufficient to determine the role of this variant in disease. Therefore, it has been classified as a Variant of Uncertain Significance.